The following is an entry in ClinVar:

NM_181783.4(TMTC3):c.1795C>A (p.Leu599Ile)

Gene: TMTC3 (transmembrane O-mannosyltransferase targeting cadherins 3; plus strand). Cytogenetic location: 12q21.32.
Variant type: single nucleotide variant.
Coding change: c.1795C>A on transcript NM_181783.4 (MANE Select); coding-DNA position 1795, C replaced by A.
Protein change: p.Leu599Ile; replaces leucine 599 with isoleucine.
Molecular consequence: missense variant. On other transcripts: non-coding transcript variant (1).
Genome position (GRCh38, 1-based): chr12:88,192,692, C>A. VCF-style: chr12-88192692-C-A. GRCh37 (hg19) VCF-style: chr12-88586469-C-A.
Other names: c.1615C>A, p.Leu539Ile (NM_001366574.1); c.1576C>A, p.Leu526Ile (NM_001366579.1); c.1528C>A, p.Leu510Ile (NM_001366580.1); c.1102C>A, p.Leu368Ile (NM_001366583.1); short protein forms L368I, L510I, L539I, L599I, L526I.
Identifiers: ClinVar variation 1392755 (VCV001392755.6), dbSNP rs1259312415, ClinGen allele CA386117769.

ClinVar aggregate classification (germline): Uncertain significance (1 of 4 stars; one submission).

gnomAD v4.1: 1 of 1,613,438 alleles (0.000062%); highest among the groups gnomAD compares: Non-Finnish European, 0.000085%; no homozygotes.

Submission:

Labcorp Genetics (formerly Invitae), Labcorp
Classification: Uncertain significance. Last evaluated: 2021-11-12. Review status: criteria provided, single submitter. Criteria: Invitae Variant Classification Sherloc (09022015). Collection method: clinical testing. Allele origin: germline.
Comment: In summary, the available evidence is currently insufficient to determine the role of this variant in disease. Therefore, it has been classified as a Variant of Uncertain Significance. This sequence change replaces leucine, which is neutral and non-polar, with isoleucine, which is neutral and non-polar, at codon 599 of the TMTC3 protein (p.Leu599Ile). This variant is not present in population databases (gnomAD no frequency). This variant has not been reported in the literature in individuals affected with TMTC3-related conditions. Algorithms developed to predict the effect of missense changes on protein structure and function (SIFT, PolyPhen-2, Align-GVGD) all suggest that this variant is likely to be tolerated.